The following is an entry in ClinVar:

ClinVar aggregate classification (germline): Benign. Review status: criteria provided, multiple submitters, no conflicts (2 of 4 stars). 9 submissions from 9 submitters: Benign (8). 1 of the submissions does not count toward it. Last evaluated 2026-02-04.

Conditions:
Donnai-Barrow syndrome. Also called: FACIOOCULOACOUSTICORENAL SYNDROME; DBS/FOAR SYNDROME. Identifiers: Orphanet 2143, MedGen C1857277, MONDO:0009104, OMIM 222448.

Allele frequency attached by ClinVar (database versions not stated): gnomAD exomes 0.47279 and 0.52433; ESP Exome Variant Server 0.50323; gnomAD 0.50520 and 0.51215; ExAC 0.52310; TOPMed 0.52687; 1000 Genomes Project 0.58187; 1000 Genomes Project 30x 0.58432.
gnomAD v4.1: 767,575 of 1,609,298 alleles (48%); highest among the groups gnomAD compares: South Asian, 72%; 189,124 homozygotes.

Submissions (9):

Labcorp Genetics (formerly Invitae), Labcorp
Classification: Benign. Last evaluated: 2026-02-04. Review status: criteria provided, single submitter. Criteria: Invitae Variant Classification Sherloc (09022015). Collection method: clinical testing. Allele origin: germline.

Blueprint Genetics
Classification: Benign. Last evaluated: 2024-11-26. Review status: criteria provided, single submitter. Criteria: ACMG Guidelines, 2015. Collection method: clinical testing. Allele origin: germline.

Mayo Clinic Laboratories, Mayo Clinic
Classification: Benign. Last evaluated: 2022-11-10. Review status: criteria provided, single submitter. Criteria: ACMG Guidelines, 2015. Collection method: clinical testing. Allele origin: germline. Observed: 94 variant alleles.

Genome-Nilou Lab
Classification: Benign for Donnai-Barrow syndrome. Last evaluated: 2021-08-19. Review status: criteria provided, single submitter. Criteria: ACMG Guidelines, 2015. Collection method: clinical testing. Allele origin: germline. Affected: no.

Illumina Laboratory Services, Illumina
Classification: Benign for Donnai-Barrow syndrome. Last evaluated: 2018-01-13. Review status: criteria provided, single submitter. Criteria: ICSL Variant Classification Criteria 13 December 2019. Collection method: clinical testing. Allele origin: germline.
Comment: This variant was observed in the ICSL laboratory as part of a predisposition screen in an ostensibly healthy population. It had not been previously curated by ICSL or reported in the Human Gene Mutation Database (HGMD: prior to June 1st, 2018), and was therefore a candidate for classification through an automated scoring system. Utilizing variant allele frequency, disease prevalence and penetrance estimates, and inheritance mode, an automated score was calculated to assess if this variant is too frequent to cause the disease. Based on the score and internal cut-off values, a variant classified as benign is not then subjected to further curation. The score for this variant resulted in a classification of benign for this disease.

GeneDx
Classification: Benign. Last evaluated: 2015-03-03. Review status: criteria provided, single submitter. Criteria: GeneDx Variant Classification Process June 2021. Collection method: clinical testing. Allele origin: germline. Affected: yes.

Breakthrough Genomics
Classification: Benign. Review status: criteria provided, single submitter. Criteria: ACMG Guidelines, 2015. Collection method: not provided. Allele origin: germline. Inheritance: Autosomal recessive inheritance. Affected: yes.

PreventionGenetics, part of Exact Sciences
Classification: Benign. Review status: criteria provided, single submitter. Criteria: ACMG Guidelines, 2015. Collection method: clinical testing. Allele origin: germline.

Genetic Services Laboratory, University of Chicago
Classification: Likely benign for AllHighlyPenetrant. Review status: no assertion criteria provided. Collection method: clinical testing. Allele origin: germline. Inheritance: Autosomal recessive inheritance. Not counted in ClinVar's aggregate classification.
Comment: Likely benign based on allele frequency in 1000 Genomes Project or ESP global frequency and its presence in a patient with a rare or unrelated disease phenotype. NOT Sanger confirmed.

NM_004525.3(LRP2):c.3660A>G (p.Ala1220=)

Gene: LRP2 (LDL receptor related protein 2; minus strand). Cytogenetic location: 2q31.1.
Variant type: single nucleotide variant.
Coding change: c.3660A>G on transcript NM_004525.3 (MANE Select); coding-DNA position 3660, A replaced by G.
Protein change: p.Ala1220=; no amino-acid change (alanine 1220 retained).
Molecular consequence: synonymous variant.
Genome position (GRCh38, 1-based): chr2:169,242,963, T>C on the plus strand (A>G on the coding strand, the complement: LRP2 is on the minus strand). VCF-style: chr2-169242963-T-C. GRCh37 (hg19) VCF-style: chr2-170099473-T-C.
Other names: p.Ala1220=.
Identifiers: ClinVar variation 129519 (VCV000129519.25), dbSNP rs831042, ClinGen allele CA153578.
Genomic context (GRCh38, chr2:169,242,963, plus strand): 5'-GCAAAAATGAAATGACCCCTTTGTCTGAAACATTCTGGGTATGTGTTACTTACGACAGCC[T>C]GCTTCATCCGAGTTGTCACTGCAATCAAAAACACCATCACAACGATTTGTGACGCCAATA-3'
Protein context (NP_004516.2, residues 1210-1230): VFDCSDNSDE[Ala1220=]GCPTRPPGMC